The following is an entry in ClinVar:

ClinVar aggregate classification (germline): Uncertain significance (1 of 4 stars; one submission).

Submission:

Labcorp Genetics (formerly Invitae), Labcorp
Classification: Uncertain significance. Last evaluated: 2024-04-03. Review status: criteria provided, single submitter. Criteria: Invitae Variant Classification Sherloc (09022015). Collection method: clinical testing. Allele origin: germline.
Comment: This sequence change results in a frameshift in the SIAE gene (p.Leu464Argfs*69). While this is not anticipated to result in nonsense mediated decay, it is expected to disrupt the last 60 amino acid(s) of the SIAE protein and extend the protein by 8 additional amino acid residues. This variant is present in population databases (no rsID available, gnomAD 0.01%). This variant has not been reported in the literature in individuals affected with SIAE-related conditions. Experimental studies and prediction algorithms are not available or were not evaluated, and the functional significance of this variant is currently unknown. In summary, the available evidence is currently insufficient to determine the role of this variant in disease. Therefore, it has been classified as a Variant of Uncertain Significance.

NM_170601.5(SIAE):c.1391del (p.Leu464fs)

Gene: SIAE (sialic acid acetylesterase; minus strand). Cytogenetic location: 11q24.2.
Variant type: Deletion.
Coding change: c.1391del on transcript NM_170601.5 (MANE Select); coding-DNA position 1391, one base deleted (T; older notation c.1391delT).
Protein change: p.Leu464fs; shifts the reading frame from leucine 464.
Molecular consequence: frameshift variant.
Genome position (GRCh38, 1-based): chr11:124,637,132, A deleted on the plus strand (T on the coding strand, the reverse complement: SIAE is on the minus strand). VCF-style (leftmost placement, unchanged base first): chr11-124637131-CA-C. GRCh37 (hg19) VCF-style: chr11-124507027-CA-C.
Other names: c.1286del, p.Leu429fs (NM_001199922.2); short protein forms L464fs, L429fs.
Identifiers: ClinVar variation 3680009 (VCV003680009.2).